The following is an entry in ClinVar:

ClinVar aggregate classification (germline): Uncertain significance. Review status: criteria provided, multiple submitters, no conflicts (2 of 4 stars). 3 submissions from 3 submitters: Uncertain significance (3). Last evaluated 2025-08-18.

Conditions:
TTN-related disorder. Also called: TTN-related condition; TTN-related disease; TTN-related disorders.
Dilated cardiomyopathy 1G (CMD1G). Identifiers: Orphanet 154, MedGen C1858763, MONDO:0011400, OMIM 604145.
Autosomal recessive limb-girdle muscular dystrophy type 2J (LGMDR10). Also called: MUSCULAR DYSTROPHY, LIMB-GIRDLE, AUTOSOMAL RECESSIVE 10; Limb-girdle muscular dystrophy, type 2J. Identifiers: Orphanet 140922, MedGen C1837342, MONDO:0012127, OMIM 608807.

Allele frequency attached by ClinVar (database versions not stated): gnomAD exomes below 0.00001; ExAC 0.00002; gnomAD 0.00002; TOPMed 0.00004.
gnomAD v4.1: 6 of 1,613,686 alleles (0.00037%); highest among the groups gnomAD compares: East Asian, 0.0067%; no homozygotes.

Submissions (3):

PreventionGenetics, part of Exact Sciences
Classification: Uncertain significance for TTN-related condition. Last evaluated: 2025-08-18. Review status: criteria provided, single submitter. Criteria: ACMG Guidelines, 2015. Collection method: clinical testing. Allele origin: germline.
Comment: The TTN c.91736T>C variant is predicted to result in the amino acid substitution p.Leu30579Pro. To our knowledge, this variant has not been reported in the literature. This variant is reported in 0.0056% of alleles in individuals of East Asian descent in gnomAD. At this time, the clinical significance of this variant is uncertain due to the absence of conclusive functional and genetic evidence.

Revvity Omics, Revvity
Classification: Uncertain significance. Last evaluated: 2019-03-27. Review status: criteria provided, single submitter. Criteria: ACMG Guidelines, 2015. Collection method: clinical testing. Allele origin: germline.

Labcorp Genetics (formerly Invitae), Labcorp
Classification: Uncertain significance for Dilated cardiomyopathy 1G; Autosomal recessive limb-girdle muscular dystrophy type 2J. Last evaluated: 2017-09-28. Review status: criteria provided, single submitter. Criteria: Invitae Variant Classification Sherloc (09022015). Collection method: clinical testing. Allele origin: germline.

NM_001267550.2(TTN):c.91736T>C (p.Leu30579Pro)

Genes: TTN (titin; minus strand), TTN-AS1 (TTN antisense RNA 1; plus strand). Cytogenetic location: 2q31.2.
Variant type: single nucleotide variant.
Coding change: c.91736T>C on transcript NM_001267550.2 (MANE Select); coding-DNA position 91736, T replaced by C.
Protein change: p.Leu30579Pro; replaces leucine 30579 with proline.
Molecular consequence: missense variant.
Genome position (GRCh38, 1-based): chr2:178,550,102, A>G on the plus strand (T>C on the coding strand, the complement: TTN is on the minus strand). VCF-style: chr2-178550102-A-G. GRCh37 (hg19) VCF-style: chr2-179414829-A-G.
Other names: c.86813T>C, p.Leu28938Pro (NM_001256850.1); c.64541T>C, p.Leu21514Pro (NM_003319.4); c.84032T>C, p.Leu28011Pro (NM_133378.4); c.64916T>C, p.Leu21639Pro (NM_133432.3); c.65117T>C, p.Leu21706Pro (NM_133437.4); short protein forms L30579P, L28938P, L21514P, L21639P, L21706P, L28011P.
Identifiers: ClinVar variation 535144 (VCV000535144.7), dbSNP rs765022890, ClinGen allele CA1987571.
Genomic context (GRCh38, chr2:178,550,102, plus strand): 5'-ACTGTGTATACACCACGATGGTCCCGAGTAGCATCTCTAACAAATAGGCTGGTGGATCCA[A>G]GTACGTCGGTTATTTCCATATTCATCCTCTTTTCGATTTCCACTCCATCTTTGAACCAAG-3'
Protein context (NP_001254479.2, residues 30569-30589): KRMNMEITDV[Leu30579Pro]GSTSLFVRDA